The following is an entry in ClinVar:

ClinVar aggregate classification (germline): Uncertain significance (1 of 4 stars; one submission).

Submission:

GeneDx
Classification: Uncertain significance. Last evaluated: 2025-02-22. Review status: criteria provided, single submitter. Criteria: GeneDx Variant Classification Process June 2021. Collection method: clinical testing. Allele origin: germline. Affected: yes.
Comment: Not observed at significant frequency in large population cohorts (gnomAD); In silico analysis indicates that this missense variant does not alter protein structure/function; Has not been previously published as pathogenic or benign to our knowledge

NM_033517.1:c.34C>A

Gene: SHANK3 (SH3 and multiple ankyrin repeat domains 3; plus strand).
Variant type: single nucleotide variant.
Other names: c.34C>A (NM_033517.1).
Identifiers: ClinVar variation 4076588 (VCV004076588.1).